The following is an entry in ClinVar:

NM_002430.3(MN1):c.3338C>T (p.Ser1113Leu)

Gene: MN1 (MN1 proto-oncogene, transcriptional regulator; minus strand). Cytogenetic location: 22q12.1.
Variant type: single nucleotide variant.
Coding change: c.3338C>T on transcript NM_002430.3 (MANE Select); coding-DNA position 3338, C replaced by T.
Protein change: p.Ser1113Leu; replaces serine 1113 with leucine.
Molecular consequence: missense variant.
Genome position (GRCh38, 1-based): chr22:27,797,206, G>A on the plus strand (C>T on the coding strand, the complement: MN1 is on the minus strand). VCF-style: chr22-27797206-G-A. GRCh37 (hg19) VCF-style: chr22-28193194-G-A.
Other names: short protein forms S1113L.
Identifiers: ClinVar variation 3900174 (VCV003900174.1).

ClinVar aggregate classification (germline): Uncertain significance (1 of 4 stars; one submission).

Submission:

GeneDx
Classification: Uncertain significance. Last evaluated: 2024-11-26. Review status: criteria provided, single submitter. Criteria: GeneDx Variant Classification Process June 2021. Collection method: clinical testing. Allele origin: germline. Affected: yes.
Comment: Not observed at significant frequency in large population cohorts (gnomAD); In silico analysis supports that this missense variant has a deleterious effect on protein structure/function; Has not been previously published as pathogenic or benign to our knowledge